The following is an entry in ClinVar:

ClinVar aggregate classification (germline): Uncertain significance (1 of 4 stars; one submission).

Submission:

Labcorp Genetics (formerly Invitae), Labcorp
Classification: Uncertain significance. Last evaluated: 2023-12-01. Review status: criteria provided, single submitter. Criteria: Invitae Variant Classification Sherloc (09022015). Collection method: clinical testing. Allele origin: germline.
Comment: This sequence change replaces proline, which is neutral and non-polar, with threonine, which is neutral and polar, at codon 44 of the ALPK1 protein (p.Pro44Thr). This variant is not present in population databases (gnomAD no frequency). This variant has not been reported in the literature in individuals affected with ALPK1-related conditions. Advanced modeling of protein sequence and biophysical properties (such as structural, functional, and spatial information, amino acid conservation, physicochemical variation, residue mobility, and thermodynamic stability) performed at Invitae indicates that this missense variant is expected to disrupt ALPK1 protein function with a positive predictive value of 80%. In summary, the available evidence is currently insufficient to determine the role of this variant in disease. Therefore, it has been classified as a Variant of Uncertain Significance.

NM_025144.4(ALPK1):c.130C>A (p.Pro44Thr)

Gene: ALPK1 (alpha kinase 1; plus strand). Cytogenetic location: 4q25.
Variant type: single nucleotide variant.
Coding change: c.130C>A on transcript NM_025144.4 (MANE Select); coding-DNA position 130, C replaced by A.
Protein change: p.Pro44Thr; replaces proline 44 with threonine.
Molecular consequence: missense variant. On other transcripts: intron variant (1).
Genome position (GRCh38, 1-based): chr4:112,382,406, C>A. VCF-style: chr4-112382406-C-A. GRCh37 (hg19) VCF-style: chr4-113303562-C-A.
Other names: c.130C>A, p.Pro44Thr (NM_001102406.2); c.42+4508C>A (NM_001253884.2); short protein forms P44T.
Identifiers: ClinVar variation 3022510 (VCV003022510.3), dbSNP rs375325807, ClinGen allele CA357988314.